The following is an entry in ClinVar:

ClinVar aggregate classification (germline): Uncertain significance (1 of 4 stars; one submission).

Conditions:
Cardiomyopathy (CMYO). Also called: Cardiomyopathies. Identifiers: Orphanet 167848, MedGen C0878544, MONDO:0004994, HP:0001638. Inheritance: Various modes of inheritance.

Submission:

Color Diagnostics, LLC DBA Color Health
Classification: Uncertain significance for Cardiomyopathy. Last evaluated: 2020-12-02. Review status: criteria provided, single submitter. Criteria: ACMG Guidelines, 2015. Collection method: clinical testing. Allele origin: germline.
Comment: This missense variant replaces glycine with valine at codon 2647 of the DSP protein. Computational prediction is inconclusive regarding the impact of this variant on protein structure and function (internally defined REVEL score threshold 0.5 < inconclusive < 0.7, PMID: 27666373). To our knowledge, functional studies have not been reported for this variant. This variant has not been reported in individuals affected with cardiovascular disorders in the literature. This variant has not been identified in the general population by the Genome Aggregation Database (gnomAD). The available evidence is insufficient to determine the role of this variant in disease conclusively. Therefore, this variant is classified as a Variant of Uncertain Significance.

NM_004415.4(DSP):c.7940G>T (p.Gly2647Val)

Gene: DSP (desmoplakin; plus strand). Cytogenetic location: 6p24.3.
Variant type: single nucleotide variant.
Coding change: c.7940G>T on transcript NM_004415.4 (MANE Select); coding-DNA position 7940, G replaced by T.
Protein change: p.Gly2647Val; replaces glycine 2647 with valine.
Molecular consequence: missense variant.
Genome position (GRCh38, 1-based): chr6:7,585,202, G>T. VCF-style: chr6-7585202-G-T. GRCh37 (hg19) VCF-style: chr6-7585435-G-T.
Other names: c.6143G>T, p.Gly2048Val (NM_001008844.3); c.6611G>T, p.Gly2204Val (NM_001319034.2); short protein forms G2048V, G2204V, G2647V.
Identifiers: ClinVar variation 1171370 (VCV001171370.2), dbSNP rs771407520, ClinGen allele CA362694107.